The following is an entry in ClinVar:

ClinVar aggregate classification (germline): Uncertain significance (1 of 4 stars; one submission).

Submission:

Dasa
Classification: Uncertain significance. Last evaluated: 2024-10-28. Review status: criteria provided, single submitter. Criteria: DASA Assertion Criteria. Collection method: clinical testing. Allele origin: germline.
Comment: NM_014159.7(SETD2):c.692T>C (p.Val231Ala) is a missense variant that results in the substitution of valine with alanine. This variant is absent from population databases. Computational prediction algorithms are consistent with a benign effect. The currently available literature and clinical evidence are not sufficient to establish a definitive association between this variant and the reported condition. Therefore, this variant is classified as a variant of uncertain significance.

NM_014159.7(SETD2):c.692T>C (p.Val231Ala)

Gene: SETD2 (SET domain containing 2, histone lysine methyltransferase; minus strand). Cytogenetic location: 3p21.31.
Variant type: single nucleotide variant.
Coding change: c.692T>C on transcript NM_014159.7 (MANE Select); coding-DNA position 692, T replaced by C.
Protein change: p.Val231Ala; replaces valine 231 with alanine.
Molecular consequence: missense variant. On other transcripts: non-coding transcript variant (1).
Genome position (GRCh38, 1-based): chr3:47,123,944, A>G on the plus strand (T>C on the coding strand, the complement: SETD2 is on the minus strand). VCF-style: chr3-47123944-A-G. GRCh37 (hg19) VCF-style: chr3-47165434-A-G.
Other names: c.560T>C, p.Val187Ala (NM_001349370.3); short protein forms V187A, V231A.
Identifiers: ClinVar variation 4885458 (VCV004885458.2).